The following is an entry in ClinVar:

ClinVar aggregate classification (germline): Uncertain significance. Review status: criteria provided, multiple submitters, no conflicts (2 of 4 stars). 3 submissions from 3 submitters: Uncertain significance (3). Last evaluated 2025-05-02.

Conditions:
Christianson syndrome (MRXSCH). Also called: X-linked mental retardation, syndromic, Christianson type; SLC9A6-Related Syndromic Mental Retardation; INTELLECTUAL DEVELOPMENTAL DISORDER, X-LINKED, SYNDROMIC, CHRISTIANSON TYPE. Identifiers: Orphanet 85278, MedGen C2678194, MONDO:0010278, OMIM 300243.

Submissions (3):

Labcorp Genetics (formerly Invitae), Labcorp
Classification: Uncertain significance for Christianson syndrome. Last evaluated: 2025-05-02. Review status: criteria provided, single submitter. Criteria: Invitae Variant Classification Sherloc (09022015). Collection method: clinical testing. Allele origin: germline.
Comment: This sequence change replaces leucine, which is neutral and non-polar, with phenylalanine, which is neutral and non-polar, at codon 483 of the SLC9A6 protein (p.Leu483Phe). This variant is not present in population databases (gnomAD no frequency). This variant has not been reported in the literature in individuals affected with SLC9A6-related conditions. ClinVar contains an entry for this variant (Variation ID: 1686724). Invitae Evidence Modeling of protein sequence and biophysical properties (such as structural, functional, and spatial information, amino acid conservation, physicochemical variation, residue mobility, and thermodynamic stability) indicates that this missense variant is expected to disrupt SLC9A6 protein function with a positive predictive value of 80%. In summary, the available evidence is currently insufficient to determine the role of this variant in disease. Therefore, it has been classified as a Variant of Uncertain Significance.

GeneDx
Classification: Uncertain significance. Last evaluated: 2024-04-17. Review status: criteria provided, single submitter. Criteria: GeneDx Variant Classification Process June 2021. Collection method: clinical testing. Allele origin: germline.
Comment: Not observed at significant frequency in large population cohorts (gnomAD); In silico analysis supports that this missense variant has a deleterious effect on protein structure/function; Has not been previously published as pathogenic or benign to our knowledge

Blueprint Genetics
Classification: Uncertain significance. Last evaluated: 2021-01-19. Review status: criteria provided, single submitter. Criteria: ACMG Guidelines, 2015. Collection method: clinical testing. Allele origin: germline.

NM_001379110.1(SLC9A6):c.1387C>T (p.Leu463Phe)

Gene: SLC9A6 (solute carrier family 9 member A6; plus strand). Cytogenetic location: Xq26.3.
Variant type: single nucleotide variant.
Coding change: c.1387C>T on transcript NM_001379110.1 (MANE Select); coding-DNA position 1387, C replaced by T.
Protein change: p.Leu463Phe; replaces leucine 463 with phenylalanine.
Molecular consequence: missense variant.
Genome position (GRCh38, 1-based): chrX:136,024,410, C>T. VCF-style: chrX-136024410-C-T. GRCh37 (hg19) VCF-style: chrX-135106569-C-T.
Other names: c.1543C>T, p.Leu515Phe (NM_001042537.2); c.1387C>T, p.Leu463Phe (NM_001177651.2, NM_001400909.1, NM_001400910.1 and 2 more transcripts); c.1291C>T, p.Leu431Phe (NM_001330652.2, NM_001400913.1); c.1447C>T, p.Leu483Phe (NM_006359.3); short protein forms L431F, L463F, L483F, L515F.
Identifiers: ClinVar variation 1686724 (VCV001686724.7), dbSNP rs2148189943, ClinGen allele CA414754635.
Genomic context (GRCh38, chrX:136,024,410, plus strand): 5'-TTTGCCTTGGCCATTCGAGATACTGCCACTTATGCACGGCAAATGATGTTCAGCACCACG[C>T]TTCTGATTGTGTTTTTTACCGTGTGGGTATTTGGTGGTGGCACCACTGCAATGCTGTCAT-3'
Protein context (NP_001366039.1, residues 453-473): YARQMMFSTT[Leu463Phe]LIVFFTVWVF